The following is an entry in ClinVar:

ClinVar aggregate classification (germline): Uncertain significance (1 of 4 stars; one submission).

Conditions:
FBN1-related disorder. Also called: FBN1-related disorders.

Submission:

PreventionGenetics, part of Exact Sciences
Classification: Uncertain significance for FBN1-related condition. Last evaluated: 2025-08-16. Review status: criteria provided, single submitter. Criteria: ACMG Guidelines, 2015. Collection method: clinical testing. Allele origin: germline.
Comment: The FBN1 c.7753A>G variant is predicted to result in the amino acid substitution p.Ile2585Val. To our knowledge, this variant has not been reported in the literature or in a large population database (gnomAD), indicating this variant is rare. Of note, a different variant impacting the same amino acid (p.Ile2585Thr) has been reported to be causative for Marfan Syndrome or related fibrillinopathy in multiple affected individuals (Liu et al. 1997. PubMed ID: 10464652; Loeys et al. 2001. PubMed ID: 11700157; Biggin et al. 2004, PubMed ID: 14695540; Comeglio et al. 2007. PubMed ID: 17657824). Although we suspect that the c.7753A>G (p.Ile2585Val) variant may be pathogenic, at this time, the clinical significance of this variant is uncertain due to the absence of conclusive functional and genetic evidence.

NM_000138.5(FBN1):c.7753A>G (p.Ile2585Val)

Gene: FBN1 (fibrillin 1; minus strand). Cytogenetic location: 15q21.1.
Variant type: single nucleotide variant.
Coding change: c.7753A>G on transcript NM_000138.5 (MANE Select); coding-DNA position 7753, A replaced by G.
Protein change: p.Ile2585Val; replaces isoleucine 2585 with valine.
Molecular consequence: missense variant.
Genome position (GRCh38, 1-based): chr15:48,420,753, T>C on the plus strand (A>G on the coding strand, the complement: FBN1 is on the minus strand). VCF-style: chr15-48420753-T-C. GRCh37 (hg19) VCF-style: chr15-48712950-T-C.
Other names: c.7753A>G, p.Ile2585Val (NM_001406716.1); short protein forms I2585V.
Identifiers: ClinVar variation 5001000 (VCV005001000.1).
Genomic context (GRCh38, chr15:48,420,753, plus strand): 5'-ACTGGTTCCACTGGTAGTGCTGGAGGTAGCCCTGGGGGCAGCTGCACCTGTAGCCCCCAA[T>C]GATGTTCTGGCAGCCATGCTGGCAGCGGTGGTTACCCTCACACTCGTCCACGTCTGAAAA-3'
Protein context (NP_000129.3, residues 2575-2595): HRCQHGCQNI[Ile2585Val]GGYRCSCPQG